The following is an entry in ClinVar:

NM_177924.5(ASAH1):c.374T>C (p.Ile125Thr)

Gene: ASAH1 (N-acylsphingosine amidohydrolase 1; minus strand). Cytogenetic location: 8p22.
Variant type: single nucleotide variant.
Coding change: c.374T>C on transcript NM_177924.5 (MANE Select); coding-DNA position 374, T replaced by C.
Protein change: p.Ile125Thr; replaces isoleucine 125 with threonine.
Molecular consequence: missense variant.
Genome position (GRCh38, 1-based): chr8:18,067,228, A>G on the plus strand (T>C on the coding strand, the complement: ASAH1 is on the minus strand). VCF-style: chr8-18067228-A-G. GRCh37 (hg19) VCF-style: chr8-17924737-A-G.
Other names: c.356T>C, p.Ile119Thr (NM_001127505.3); c.179T>C, p.Ile60Thr (NM_001363743.2); c.422T>C, p.Ile141Thr (NM_004315.6); short protein forms I119T, I141T, I125T, I60T.
Identifiers: ClinVar variation 1387975 (VCV001387975.6), dbSNP rs138224188, ClinGen allele CA4650898.

ClinVar aggregate classification (germline): Uncertain significance. Review status: criteria provided, multiple submitters, no conflicts (2 of 4 stars). 2 submissions from 2 submitters: Uncertain significance (2). Last evaluated 2024-09-05.

Allele frequency attached by ClinVar (database versions not stated): gnomAD 0.00003 and 0.00004; TOPMed 0.00005; ESP Exome Variant Server 0.00008.
gnomAD v4.1: 63 of 1,601,288 alleles (0.0039%); highest among the groups gnomAD compares: Non-Finnish European, 0.0044%; no homozygotes.

Submissions (2):

Blueprint Genetics
Classification: Uncertain significance. Last evaluated: 2024-09-05. Review status: criteria provided, single submitter. Criteria: ACMG Guidelines, 2015. Collection method: clinical testing. Allele origin: germline.

Labcorp Genetics (formerly Invitae), Labcorp
Classification: Uncertain significance. Last evaluated: 2022-10-24. Review status: criteria provided, single submitter. Criteria: Invitae Variant Classification Sherloc (09022015). Collection method: clinical testing. Allele origin: germline.
Comment: This sequence change replaces isoleucine, which is neutral and non-polar, with threonine, which is neutral and polar, at codon 125 of the ASAH1 protein (p.Ile125Thr). This variant is present in population databases (rs138224188, gnomAD 0.009%). This variant has not been reported in the literature in individuals affected with ASAH1-related conditions. ClinVar contains an entry for this variant (Variation ID: 1387975). Advanced modeling of protein sequence and biophysical properties (such as structural, functional, and spatial information, amino acid conservation, physicochemical variation, residue mobility, and thermodynamic stability) performed at Invitae indicates that this missense variant is not expected to disrupt ASAH1 protein function. In summary, the available evidence is currently insufficient to determine the role of this variant in disease. Therefore, it has been classified as a Variant of Uncertain Significance.